The following is an entry in ClinVar:

ClinVar aggregate classification (germline): Uncertain significance (1 of 4 stars; one submission).

Conditions:
Oxoglutaricaciduria. Identifiers: Orphanet 31, MedGen C2752074, MONDO:0008759, OMIM 203740.

gnomAD v4.1: 4 of 1,613,942 alleles (0.00025%); highest among the groups gnomAD compares: Non-Finnish European, 0.00034%; no homozygotes.

Submission:

Labcorp Genetics (formerly Invitae), Labcorp
Classification: Uncertain significance for Oxoglutaricaciduria. Last evaluated: 2025-08-04. Review status: criteria provided, single submitter. Criteria: Invitae Variant Classification Sherloc (09022015). Collection method: clinical testing. Allele origin: germline.
Comment: This sequence change replaces proline, which is neutral and non-polar, with leucine, which is neutral and non-polar, at codon 162 of the OGDH protein (p.Pro162Leu). This variant is present in population databases (rs746048255, gnomAD 0.002%). This variant has not been reported in the literature in individuals affected with OGDH-related conditions. ClinVar contains an entry for this variant (Variation ID: 3711874). Invitae Evidence Modeling of protein sequence and biophysical properties (such as structural, functional, and spatial information, amino acid conservation, physicochemical variation, residue mobility, and thermodynamic stability) indicates that this missense variant is not expected to disrupt OGDH protein function with a negative predictive value of 80%. In summary, the available evidence is currently insufficient to determine the role of this variant in disease. Therefore, it has been classified as a Variant of Uncertain Significance.

NM_002541.4(OGDH):c.485C>T (p.Pro162Leu)

Gene: OGDH (oxoglutarate dehydrogenase; plus strand). Cytogenetic location: 7p13.
Variant type: single nucleotide variant.
Coding change: c.485C>T on transcript NM_002541.4 (MANE Select); coding-DNA position 485, C replaced by T.
Protein change: p.Pro162Leu; replaces proline 162 with leucine.
Molecular consequence: missense variant. On other transcripts: intron variant (2).
Genome position (GRCh38, 1-based): chr7:44,647,727, C>T. VCF-style: chr7-44647727-C-T. GRCh37 (hg19) VCF-style: chr7-44687326-C-T.
Other names: c.485C>T, p.Pro162Leu (NM_001003941.3); c.505+193C>T (NM_001363523.2, NM_001165036.2); short protein forms P162L.
Identifiers: ClinVar variation 3711874 (VCV003711874.2).